The following is an entry in ClinVar:

ClinVar aggregate classification (germline): Conflicting classifications of pathogenicity. Review status: criteria provided, conflicting classifications (1 of 4 stars). 3 submissions from 3 submitters: Uncertain significance (1); Likely benign (2). Last evaluated 2025-09-02.

Conditions:
Autosomal recessive limb-girdle muscular dystrophy type 2J (LGMDR10). Also called: MUSCULAR DYSTROPHY, LIMB-GIRDLE, AUTOSOMAL RECESSIVE 10; Limb-girdle muscular dystrophy, type 2J. Identifiers: Orphanet 140922, MedGen C1837342, MONDO:0012127, OMIM 608807.
Dilated cardiomyopathy 1G (CMD1G). Identifiers: Orphanet 154, MedGen C1858763, MONDO:0011400, OMIM 604145.

Allele frequency attached by ClinVar (database versions not stated): gnomAD exomes 0.00001.
gnomAD v4.1: 5 of 1,611,882 alleles (0.00031%); highest among the groups gnomAD compares: Non-Finnish European, 0.00042%; no homozygotes.

Submissions (3):

Mayo Clinic Laboratories, Mayo Clinic
Classification: Likely benign. Last evaluated: 2025-09-02. Review status: criteria provided, single submitter. Criteria: ACMG Guidelines, 2015. Collection method: clinical testing. Allele origin: germline. Observed: 1 variant allele.
Comment: BP4, BP7

Labcorp Genetics (formerly Invitae), Labcorp
Classification: Likely benign for Dilated cardiomyopathy 1G; Autosomal recessive limb-girdle muscular dystrophy type 2J. Last evaluated: 2024-07-08. Review status: criteria provided, single submitter. Criteria: Invitae Variant Classification Sherloc (09022015). Collection method: clinical testing. Allele origin: germline.

Eurofins Ntd Llc (ga)
Classification: Uncertain significance. Last evaluated: 2017-06-07. Review status: criteria provided, single submitter. Criteria: EGL Classification Definitions 2015. Collection method: clinical testing. Allele origin: germline. Observed: 1 variant allele, 1 heterozygote.

NM_001267550.2(TTN):c.100818T>C (p.His33606=)

Genes: TTN (titin; minus strand), TTN-AS1 (TTN antisense RNA 1; plus strand). Cytogenetic location: 2q31.2.
Variant type: single nucleotide variant.
Coding change: c.100818T>C on transcript NM_001267550.2 (MANE Select); coding-DNA position 100818, T replaced by C.
Protein change: p.His33606=; no amino-acid change (histidine 33606 retained).
Molecular consequence: synonymous variant. On other transcripts: non-coding transcript variant (1).
Genome position (GRCh38, 1-based): chr2:178,535,797, A>G on the plus strand (T>C on the coding strand, the complement: TTN is on the minus strand). VCF-style: chr2-178535797-A-G. GRCh37 (hg19) VCF-style: chr2-179400524-A-G.
Other names: p.His31965=; c.95895T>C, p.His31965= (NM_001256850.1); c.73623T>C, p.His24541= (NM_003319.4); c.93114T>C, p.His31038= (NM_133378.4); c.73998T>C, p.His24666= (NM_133432.3); c.74199T>C, p.His24733= (NM_133437.4).
Identifiers: ClinVar variation 502446 (VCV000502446.9), dbSNP rs1402147578, ClinGen allele CA430238629.